The following is an entry in ClinVar:

NM_014738.6(TMEM94):c.1998_1999dup (p.Thr667fs)

Gene: TMEM94 (transmembrane protein 94; plus strand). Cytogenetic location: 17q25.1.
Variant type: Microsatellite.
Coding change: c.1998_1999dup on transcript NM_014738.6 (MANE Select); coding-DNA positions 1998 to 1999, 2 bases duplicated (GA; older notation c.1998_1999dupGA).
Protein change: p.Thr667fs; shifts the reading frame from threonine 667.
Molecular consequence: frameshift variant.
Genome position (GRCh38, 1-based): chr17:75,493,014-75,493,015, GA duplicated; duplicating any 2 consecutive bases within chr17:75,493,012-75,493,015 gives the same sequence; the c. name uses the placement nearest the transcript's 3' end. VCF-style (leftmost placement, unchanged base first): chr17-75493011-G-GGA. GRCh37 (hg19) VCF-style: chr17-73489092-G-GGA.
Other names: c.2028_2029dup, p.Thr677fs (NM_001321148.2, NM_001351203.2); c.2010_2011dup, p.Thr671fs (NM_001321149.2); c.1950_1951dup, p.Thr651fs (NM_001351202.2); short protein forms T651fs, T667fs, T671fs, T677fs.
Identifiers: ClinVar variation 3776390 (VCV003776390.1).

ClinVar aggregate classification (germline): Likely pathogenic (1 of 4 stars; one submission).

Submission:

GeneDx
Classification: Likely pathogenic. Last evaluated: 2024-10-02. Review status: criteria provided, single submitter. Criteria: GeneDx Variant Classification Process June 2021. Collection method: clinical testing. Allele origin: germline. Affected: yes.
Comment: Frameshift variant predicted to result in protein truncation or nonsense mediated decay in a gene for which loss of function is a known mechanism of disease; Not observed at significant frequency in large population cohorts (gnomAD); Has not been previously published as pathogenic or benign to our knowledge